The following is an entry in ClinVar:

NM_001035.3(RYR2):c.5199G>A (p.Thr1733=)

Gene: RYR2 (ryanodine receptor 2; plus strand). Cytogenetic location: 1q43.
Variant type: single nucleotide variant.
Coding change: c.5199G>A on transcript NM_001035.3 (MANE Select); coding-DNA position 5199, G replaced by A.
Protein change: p.Thr1733=; no amino-acid change (threonine 1733 retained).
Molecular consequence: synonymous variant.
Genome position (GRCh38, 1-based): chr1:237,614,327, G>A. VCF-style: chr1-237614327-G-A. GRCh37 (hg19) VCF-style: chr1-237777627-G-A.
Other names: c.5199G>A, p.Thr1733= (LRG_402t1).
Identifiers: ClinVar variation 389339 (VCV000389339.44), dbSNP rs758505260, ClinGen allele CA086848.

ClinVar aggregate classification (germline): Benign/Likely benign. Review status: criteria provided, multiple submitters, no conflicts (2 of 4 stars). 7 submissions from 7 submitters: Benign (1); Likely benign (6). Last evaluated 2026-03-17.

Conditions:
Cardiomyopathy (CMYO). Also called: Cardiomyopathies. Identifiers: Orphanet 167848, MedGen C0878544, MONDO:0004994, HP:0001638. Inheritance: Various modes of inheritance.
Catecholaminergic polymorphic ventricular tachycardia 1. Also called: VENTRICULAR TACHYCARDIA, STRESS-INDUCED POLYMORPHIC 1; VENTRICULAR TACHYCARDIA, CATECHOLAMINERGIC POLYMORPHIC, 1, WITH OR WITHOUT ATRIAL DYSFUNCTION AND/OR DILATED CARDIOMYOPATHY; RYR2-Related Catecholaminergic Polymorphic Ventricular Tachycardia. Identifiers: Orphanet 3286, MedGen C1631597, MONDO:0011484, OMIM 604772.
Cardiovascular phenotype. Identifiers: MedGen CN230736.
Catecholaminergic polymorphic ventricular tachycardia (CVPT). Also called: Catecholamine-induced polymorphic ventricular tachycardia. Identifiers: Orphanet 3286, MedGen C5574922, MONDO:0017990.

Allele frequency attached by ClinVar (database versions not stated): gnomAD 0.00002; gnomAD exomes 0.00003 and 0.00010; ExAC 0.00009.
gnomAD v4.1: 46 of 1,613,894 alleles (0.0029%); highest among the groups gnomAD compares: Admixed American, 0.033%; 1 homozygote.

Submissions (7):

Women's Health and Genetics/Laboratory Corporation of America, LabCorp
Classification: Benign. Last evaluated: 2026-03-17. Review status: criteria provided, single submitter. Criteria: LabCorp Variant Classification Summary - May 2015. Collection method: clinical testing. Allele origin: germline.

Labcorp Genetics (formerly Invitae), Labcorp
Classification: Likely benign for Catecholaminergic polymorphic ventricular tachycardia 1. Last evaluated: 2025-12-12. Review status: criteria provided, single submitter. Criteria: Invitae Variant Classification Sherloc (09022015). Collection method: clinical testing. Allele origin: germline.

All of Us Research Program, National Institutes of Health
Classification: Likely benign for Catecholaminergic polymorphic ventricular tachycardia. Last evaluated: 2023-12-18. Review status: criteria provided, single submitter. Criteria: ACMG Guidelines, 2015. Collection method: clinical testing. Allele origin: germline. Inheritance: Autosomal dominant inheritance. Observed: 12 variant alleles, 12 heterozygotes.
Comment: This study involves interpretation of variants in research participants for the purpose of population health screening. Participant phenotype was not available at the time of variant classification. Additional details can be found in publication PMID: 35346344, PMCID: PMC8962531

CeGaT Center for Human Genetics Tuebingen
Classification: Likely benign. Last evaluated: 2022-05-01. Review status: criteria provided, single submitter. Criteria: CeGaT Center For Human Genetics Tuebingen Variant Classification Criteria Version 2. Collection method: clinical testing. Allele origin: germline. Affected: yes. Observed: 1 variant allele.
Comment: RYR2: BP4, BP7

Color Diagnostics, LLC DBA Color Health
Classification: Likely benign for Cardiomyopathy. Last evaluated: 2018-07-09. Review status: criteria provided, single submitter. Criteria: ACMG Guidelines, 2015. Collection method: clinical testing. Allele origin: germline.

GeneDx
Classification: Likely benign. Last evaluated: 2016-09-14. Review status: criteria provided, single submitter. Criteria: GeneDx Variant Classification (06012015). Collection method: clinical testing. Allele origin: germline. Affected: yes.
Comment: This variant is considered likely benign or benign based on one or more of the following criteria: it is a conservative change, it occurs at a poorly conserved position in the protein, it is predicted to be benign by multiple in silico algorithms, and/or has population frequency not consistent with disease.

Ambry Genetics
Classification: Likely benign for Cardiovascular phenotype. Last evaluated: 2016-06-21. Review status: criteria provided, single submitter. Criteria: Ambry Variant Classification Scheme 2023. Collection method: clinical testing. Allele origin: germline.